The following is an entry in ClinVar:

NM_003114.5(SPAG1):c.1856-51A>T

Gene: SPAG1 (sperm associated antigen 1; plus strand). Cytogenetic location: 8q22.2.
Variant type: single nucleotide variant.
Coding change: c.1856-51A>T on transcript NM_003114.5 (MANE Select); 51 bases into the intron before coding-DNA position 1856, A replaced by T.
Molecular consequence: intron variant.
Genome position (GRCh38, 1-based): chr8:100,231,105, A>T. VCF-style: chr8-100231105-A-T. GRCh37 (hg19) VCF-style: chr8-101243333-A-T.
Other names: c.1856-51A>T (NM_001374321.1, NM_172218.3).
Identifiers: ClinVar variation 1707214 (VCV001707214.2), dbSNP rs148150196, ClinGen allele CA4827610.

ClinVar aggregate classification (germline): Likely benign (1 of 4 stars; one submission).

Allele frequency attached by ClinVar (database versions not stated): ExAC 0.00113; 1000 Genomes Project 0.00359; ESP Exome Variant Server 0.00370; 1000 Genomes Project 30x 0.00406.
gnomAD v4.1: 1,011 of 1,501,596 alleles (0.067%); highest among the groups gnomAD compares: African/African-American, 1.2%; 3 homozygotes.

Submission:

GeneDx
Classification: Likely benign. Last evaluated: 2021-10-26. Review status: criteria provided, single submitter. Criteria: GeneDx Variant Classification Process June 2021. Collection method: clinical testing. Allele origin: germline. Affected: yes.
Comment: See Variant Classification Assertion Criteria.